The following is an entry in ClinVar:

NM_001267550.2(TTN):c.96873T>A (p.Thr32291=)

Genes: TTN (titin; minus strand), TTN-AS1 (TTN antisense RNA 1; plus strand), LOC126806421 (CDK7 strongly-dependent group 2 enhancer GRCh37_chr2:179407630-179408829; plus strand). Cytogenetic location: 2q31.2.
Variant type: single nucleotide variant.
Coding change: c.96873T>A on transcript NM_001267550.2 (MANE Select); coding-DNA position 96873, T replaced by A.
Protein change: p.Thr32291=; no amino-acid change (threonine 32291 retained).
Molecular consequence: synonymous variant.
Genome position (GRCh38, 1-based): chr2:178,543,100, A>T on the plus strand (T>A on the coding strand, the complement: TTN is on the minus strand). VCF-style: chr2-178543100-A-T. GRCh37 (hg19) VCF-style: chr2-179407827-A-T.
Other names: c.91950T>A, p.Thr30650= (NM_001256850.1); c.69678T>A, p.Thr23226= (NM_003319.4); c.89169T>A, p.Thr29723= (NM_133378.4); c.70053T>A, p.Thr23351= (NM_133432.3); c.70254T>A, p.Thr23418= (NM_133437.4).
Identifiers: ClinVar variation 3250818 (VCV003250818.18), dbSNP rs368169892.

ClinVar aggregate classification (germline): Likely benign (1 of 4 stars; one submission).

Submission:

CeGaT Center for Human Genetics Tuebingen
Classification: Likely benign. Last evaluated: 2024-06-01. Review status: criteria provided, single submitter. Criteria: CeGaT Center For Human Genetics Tuebingen Variant Classification Criteria Version 2. Collection method: clinical testing. Allele origin: germline. Affected: yes. Observed: 1 variant allele.
Comment: TTN: PM2:Supporting, BP4, BP7